The following is an entry in ClinVar:

NM_001372.4(DNAH9):c.5961G>A (p.Lys1987=)

Gene: DNAH9 (dynein axonemal heavy chain 9; plus strand). Cytogenetic location: 17p12.
Variant type: single nucleotide variant.
Coding change: c.5961G>A on transcript NM_001372.4 (MANE Select); coding-DNA position 5961, G replaced by A.
Protein change: p.Lys1987=; no amino-acid change (lysine 1987 retained).
Molecular consequence: synonymous variant.
Genome position (GRCh38, 1-based): chr17:11,739,026, G>A. VCF-style: chr17-11739026-G-A. GRCh37 (hg19) VCF-style: chr17-11642343-G-A.
Other names: c.5961G>A (NM_001372.3).
Identifiers: ClinVar variation 1624056 (VCV001624056.11), dbSNP rs61744691, ClinGen allele CA8396162.
Genomic context (GRCh38, chr17:11,739,026, plus strand): 5'-TATCTTCATCACCATGAACCCAGGCTATGCTGGCCGCACAGAGCTGCCAGAGAATCTCAA[G>A]TCTCTCTTCAGGTGAGTGTCAGTTCTGCCCCATGCAAAAGCCCCAAAAGAGAAGTTTCTT-3'
Protein context (NP_001363.2, residues 1977-1997): AGRTELPENL[Lys1987=]SLFRPCAMVV

ClinVar aggregate classification (germline): Benign/Likely benign. Review status: criteria provided, multiple submitters, no conflicts (2 of 4 stars). 3 submissions from 3 submitters: Benign (1); Likely benign (1). 1 of the submissions does not count toward it. Last evaluated 2025-12-19.

Conditions:
DNAH9-related disorder. Also called: DNAH9-related condition.

Allele frequency attached by ClinVar (database versions not stated): gnomAD exomes 0.00007 and 0.00026; ExAC 0.00034; gnomAD 0.00072; TOPMed 0.00080; ESP Exome Variant Server 0.00108; 1000 Genomes Project 0.00160; 1000 Genomes Project 30x 0.00219.
gnomAD v4.1: 212 of 1,613,796 alleles (0.013%); highest among the groups gnomAD compares: African/African-American, 0.26%; 1 homozygote.

Submissions (3):

Labcorp Genetics (formerly Invitae), Labcorp
Classification: Benign. Last evaluated: 2025-12-19. Review status: criteria provided, single submitter. Criteria: Invitae Variant Classification Sherloc (09022015). Collection method: clinical testing. Allele origin: germline.

Blueprint Genetics
Classification: Likely benign. Last evaluated: 2022-07-07. Review status: criteria provided, single submitter. Criteria: ACMG Guidelines, 2015. Collection method: clinical testing. Allele origin: germline.

PreventionGenetics, part of Exact Sciences
Classification: Likely benign for DNAH9-related condition. Last evaluated: 2022-07-08. Review status: no assertion criteria provided. Collection method: clinical testing. Allele origin: germline. Not counted in ClinVar's aggregate classification.
Comment: This variant is classified as likely benign based on ACMG/AMP sequence variant interpretation guidelines (Richards et al. 2015 PMID: 25741868, with internal and published modifications).